The following is an entry in ClinVar:

ClinVar aggregate classification (germline): Uncertain significance. Review status: criteria provided, multiple submitters, no conflicts (2 of 4 stars). 2 submissions from 2 submitters: Uncertain significance (2). Last evaluated 2025-08-03.

Allele frequency attached by ClinVar (database versions not stated): gnomAD 0.00001; TOPMed 0.00001.
gnomAD v4.1: 1 of 1,612,740 alleles (0.000062%); highest among the groups gnomAD compares: Admixed American, 0.0017%; no homozygotes.

Submissions (2):

Ambry Genetics
Classification: Uncertain significance. Last evaluated: 2025-08-03. Review status: criteria provided, single submitter. Criteria: Ambry Variant Classification Scheme 2023. Collection method: clinical testing. Allele origin: germline.
Comment: The p.E169K variant (also known as c.505G>A), located in coding exon 4 of the RINT1 gene, results from a G to A substitution at nucleotide position 505. The glutamic acid at codon 169 is replaced by lysine, an amino acid with similar properties. This amino acid position is conserved. In addition, the in silico prediction for this alteration is inconclusive. Since supporting evidence is limited at this time, the clinical significance of this alteration remains unclear.

Labcorp Genetics (formerly Invitae), Labcorp
Classification: Uncertain significance. Last evaluated: 2022-03-25. Review status: criteria provided, single submitter. Criteria: Invitae Variant Classification Sherloc (09022015). Collection method: clinical testing. Allele origin: germline.
Comment: This variant has not been reported in the literature in individuals affected with RINT1-related conditions. In summary, the available evidence is currently insufficient to determine the role of this variant in disease. Therefore, it has been classified as a Variant of Uncertain Significance. Algorithms developed to predict the effect of missense changes on protein structure and function are either unavailable or do not agree on the potential impact of this missense change (SIFT: "Deleterious"; PolyPhen-2: "Probably Damaging"; Align-GVGD: "Class C15"). This variant is not present in population databases (gnomAD no frequency). This sequence change replaces glutamic acid, which is acidic and polar, with lysine, which is basic and polar, at codon 169 of the RINT1 protein (p.Glu169Lys).

NM_021930.6(RINT1):c.505G>A (p.Glu169Lys)

Gene: RINT1 (RAD50 interactor 1; plus strand). Cytogenetic location: 7q22.3.
Variant type: single nucleotide variant.
Coding change: c.505G>A on transcript NM_021930.6 (MANE Select); coding-DNA position 505, G replaced by A.
Protein change: p.Glu169Lys; replaces glutamic acid 169 with lysine.
Molecular consequence: missense variant. On other transcripts: 5 prime UTR variant (3), non-coding transcript variant (1).
Genome position (GRCh38, 1-based): chr7:105,542,639, G>A. VCF-style: chr7-105542639-G-A. GRCh37 (hg19) VCF-style: chr7-105183086-G-A.
Other names: c.271G>A, p.Glu91Lys (NM_001346599.2); c.-515G>A (NM_001346600.2); c.-418G>A (NM_001346601.2); c.-38G>A (NM_001346603.2); c.505G>A (NM_021930.4); short protein forms E169K, E91K.
Identifiers: ClinVar variation 2163380 (VCV002163380.7), dbSNP rs1442120615, ClinGen allele CA368803934.
Genomic context (GRCh38, chr7:105,542,639, plus strand): 5'-ATTAGCCAGATTGAAGAGATCGAACGTCATCTTGCTTACCTTAAATGGATTTCACAAATT[G>A]AAGAACTAAGGTAAAATGGGCCTCTTTGTTCTCACAATTACTATTTTCCTTTGAGGCTTC-3'
Protein context (NP_068749.3, residues 159-179): LAYLKWISQI[Glu169Lys]ELSDNIQQYL